The following is an entry in ClinVar:

NM_031956.4(TTC29):c.1107C>G (p.Tyr369Ter)

Gene: TTC29 (tetratricopeptide repeat domain 29; minus strand). Cytogenetic location: 4q31.22.
Variant type: single nucleotide variant.
Coding change: c.1107C>G on transcript NM_031956.4 (MANE Select); coding-DNA position 1107, C replaced by G.
Protein change: p.Tyr369Ter; replaces tyrosine 369 with a stop codon.
Molecular consequence: nonsense. On other transcripts: non-coding transcript variant (1).
Genome position (GRCh38, 1-based): chr4:146,803,680, G>C on the plus strand (C>G on the coding strand, the complement: TTC29 is on the minus strand). VCF-style: chr4-146803680-G-C. GRCh37 (hg19) VCF-style: chr4-147724832-G-C.
Other names: c.1185C>G, p.Tyr395Ter (NM_001300761.4); c.1107C>G, p.Tyr369Ter (NM_001317806.3); short protein forms Y369*, Y395*.
Identifiers: ClinVar variation 805959 (VCV000805959.4), dbSNP rs1489738488, ClinGen allele CA358417137.

ClinVar aggregate classification (germline): Pathogenic. Review status: criteria provided, single submitter (1 of 4 stars). 2 submissions from 2 submitters: Pathogenic (1). 1 of the submissions does not count toward it.

Conditions:
Spermatogenic failure 42. Identifiers: MedGen C5231488, MONDO:0032896, OMIM 618745.

Allele frequency attached by ClinVar (database versions not stated): gnomAD 0.00001; TOPMed 0.00003.
gnomAD v4.1: 1 of 1,576,882 alleles (0.000063%); highest among the groups gnomAD compares: East Asian, 0.0023%; no homozygotes.

Submissions (2):

Juno Genomics, Hangzhou Juno Genomics, Inc
Classification: Pathogenic for Spermatogenic failure 42. Review status: criteria provided, single submitter. Criteria: ACMG Guidelines, 2015. Collection method: clinical testing. Allele origin: germline.
Comment: Absent from controls (or at extremely low frequency if recessive) in Genome Aggregation Database.;Null variant in a gene where loss of function (LOF) is a known mechanism of disease.;For recessive disorders, detected in trans with a pathogenic variant.;Patient's phenotype or family history is highly specific for a disease with a single genetic etiology.

OMIM
Classification: Pathogenic for SPERMATOGENIC FAILURE 42. Last evaluated: 2020-01-24. Review status: no assertion criteria provided. Collection method: literature only. Allele origin: germline. Not counted in ClinVar's aggregate classification.

Literature cited by the submitters: PubMed 31735294 (cited by OMIM).